The following is an entry in ClinVar:

ClinVar aggregate classification (germline): Uncertain significance (1 of 4 stars; one submission).

Conditions:
Hereditary cancer-predisposing syndrome. Also called: Neoplastic Syndromes, Hereditary; Tumor predisposition; Hereditary Cancer Syndrome; Hereditary neoplastic syndrome. Identifiers: Orphanet 140162, MedGen C0027672, MeSH D009386, MONDO:0015356.

Submission:

Ambry Genetics
Classification: Uncertain significance for Hereditary cancer-predisposing syndrome. Last evaluated: 2026-03-01. Review status: criteria provided, single submitter. Criteria: Ambry Variant Classification Scheme 2023. Collection method: clinical testing. Allele origin: germline.
Comment: The p.D197Y variant (also known as c.589G>T), located in coding exon 3 of the MSH6 gene, results from a G to T substitution at nucleotide position 589. The aspartic acid at codon 197 is replaced by tyrosine, an amino acid with highly dissimilar properties. This amino acid position is conserved. In addition, this alteration is predicted to be tolerated by in silico analysis. Based on the available evidence, the clinical significance of this variant remains unclear.

NM_000179.3(MSH6):c.589G>T (p.Asp197Tyr)

Gene: MSH6 (mutS homolog 6; plus strand). Cytogenetic location: 2p16.3.
Variant type: single nucleotide variant.
Coding change: c.589G>T on transcript NM_000179.3 (MANE Select); coding-DNA position 589, G replaced by T.
Protein change: p.Asp197Tyr; replaces aspartic acid 197 with tyrosine.
Molecular consequence: missense variant. On other transcripts: 5 prime UTR variant (2), non-coding transcript variant (5), intron variant (8).
Genome position (GRCh38, 1-based): chr2:47,796,025, G>T. VCF-style: chr2-47796025-G-T. GRCh37 (hg19) VCF-style: chr2-48023164-G-T.
Other names: c.-314G>T (NM_001281494.2); c.685G>T, p.Asp229Tyr (NM_001406795.1, NM_001406802.1); c.589G>T, p.Asp197Tyr (NM_001406796.1, NM_001406798.1, NM_001406800.1 and 5 more transcripts); c.292G>T, p.Asp98Tyr (NM_001406797.1, NM_001406801.1, NM_001406805.1 and 10 more transcripts); c.64G>T, p.Asp22Tyr (NM_001406799.1, NM_001406806.1, NM_001406807.1); c.511G>T, p.Asp171Tyr (NM_001406804.1); c.595G>T, p.Asp199Tyr (NM_001406813.1); c.-406G>T (NM_001406814.1); and 3 more; short protein forms D229Y, D22Y, D199Y, D98Y, D141Y, D197Y, D171Y.
Identifiers: ClinVar variation 4827449 (VCV004827449.1).